The following is an entry in ClinVar:

NM_001267550.2(TTN):c.16874A>T (p.Asp5625Val)

Genes: TTN (titin; minus strand), LOC126806431 (CDK7 strongly-dependent group 2 enhancer GRCh37_chr2:179595719-179596918; plus strand). Cytogenetic location: 2q31.2.
Variant type: single nucleotide variant.
Coding change: c.16874A>T on transcript NM_001267550.2 (MANE Select); coding-DNA position 16874, A replaced by T.
Protein change: p.Asp5625Val; replaces aspartic acid 5625 with valine.
Molecular consequence: missense variant. On other transcripts: intron variant (3).
Genome position (GRCh38, 1-based): chr2:178,732,095, T>A on the plus strand (A>T on the coding strand, the complement: TTN is on the minus strand). VCF-style: chr2-178732095-T-A. GRCh37 (hg19) VCF-style: chr2-179596822-T-A.
Other names: c.15923A>T, p.Asp5308Val (NM_001256850.1); c.13142A>T, p.Asp4381Val (NM_133378.4); c.13282+5987A>T (NM_003319.4); c.13858+5987A>T (NM_133437.4); c.13657+5987A>T (NM_133432.3); short protein forms D4381V, D5308V, D5625V.
Identifiers: ClinVar variation 1723769 (VCV001723769.2), dbSNP rs746590786, ClinGen allele CA2001966.

ClinVar aggregate classification (germline): Uncertain significance (1 of 4 stars; one submission).

Allele frequency attached by ClinVar (database versions not stated): TOPMed below 0.00001; gnomAD 0.00001; ExAC 0.00002; gnomAD exomes 0.00003.
gnomAD v4.1: 46 of 1,611,780 alleles (0.0029%); highest among the groups gnomAD compares: Non-Finnish European, 0.0039%; no homozygotes.

Submission:

GeneDx
Classification: Uncertain significance. Last evaluated: 2022-05-13. Review status: criteria provided, single submitter. Criteria: GeneDx Variant Classification Process June 2021. Collection method: clinical testing. Allele origin: germline. Affected: yes.
Comment: Not observed at significant frequency in large population cohorts (gnomAD); Missense variant in a gene in which most reported pathogenic variants are truncating/loss of function; Has not been previously published as pathogenic or benign to our knowledge; This variant is associated with the following publications: (PMID: 23975875)